The following is an entry in ClinVar:

ClinVar aggregate classification (germline): Uncertain significance (1 of 4 stars; one submission).

Allele frequency attached by ClinVar (database versions not stated): gnomAD exomes below 0.00001; ExAC 0.00001; gnomAD 0.00001 and 0.00002; TOPMed 0.00001.
gnomAD v4.1: 3 of 1,613,736 alleles (0.00019%); highest among the groups gnomAD compares: African/African-American, 0.0027%; no homozygotes.

Submission:

Labcorp Genetics (formerly Invitae), Labcorp
Classification: Uncertain significance. Last evaluated: 2025-02-03. Review status: criteria provided, single submitter. Criteria: Invitae Variant Classification Sherloc (09022015). Collection method: clinical testing. Allele origin: germline.
Comment: This sequence change replaces isoleucine, which is neutral and non-polar, with valine, which is neutral and non-polar, at codon 664 of the RP1 protein (p.Ile664Val). This variant is present in population databases (rs772037478, gnomAD 0.003%). This variant has not been reported in the literature in individuals affected with RP1-related conditions. ClinVar contains an entry for this variant (Variation ID: 1431441). An algorithm developed to predict the effect of missense changes on protein structure and function outputs the following: PolyPhen-2: "Benign". The valine amino acid residue is found in multiple mammalian species, which suggests that this missense change does not adversely affect protein function. In summary, the available evidence is currently insufficient to determine the role of this variant in disease. Therefore, it has been classified as a Variant of Uncertain Significance.

NM_006269.2(RP1):c.1990A>G (p.Ile664Val)

Gene: RP1 (RP1 axonemal microtubule associated; plus strand). Cytogenetic location: 8q12.1.
Variant type: single nucleotide variant.
Coding change: c.1990A>G on transcript NM_006269.2 (MANE Select); coding-DNA position 1990, A replaced by G.
Protein change: p.Ile664Val; replaces isoleucine 664 with valine.
Molecular consequence: missense variant. On other transcripts: intron variant (1).
Genome position (GRCh38, 1-based): chr8:54,625,872, A>G. VCF-style: chr8-54625872-A-G. GRCh37 (hg19) VCF-style: chr8-55538432-A-G.
Other names: c.787+3584A>G (NM_001375654.1); short protein forms I664V.
Identifiers: ClinVar variation 1431441 (VCV001431441.8), dbSNP rs772037478, ClinGen allele CA4751460.
Genomic context (GRCh38, chr8:54,625,872, plus strand): 5'-AGACTAATTAATGAATTTGCTCAGTGTGGTTTAACAAAACTTCCAAAAAATGAAAAGAAG[A>G]TTTTGTCATCTGTTGCCAGCAAAAAGAAGAAAAAATCTCGACAGCAAGCAATAAATTCCA-3'
Protein context (NP_006260.1, residues 654-674): LTKLPKNEKK[Ile664Val]LSSVASKKKK